The following is an entry in ClinVar:

NM_138713.4(NFAT5):c.4585A>T (p.Ile1529Phe)

Gene: NFAT5 (nuclear factor of activated T cells 5; plus strand). Cytogenetic location: 16q22.1.
Variant type: single nucleotide variant.
Coding change: c.4585A>T on transcript NM_138713.4 (MANE Select); coding-DNA position 4585, A replaced by T.
Protein change: p.Ile1529Phe; replaces isoleucine 1529 with phenylalanine.
Molecular consequence: missense variant.
Genome position (GRCh38, 1-based): chr16:69,695,306, A>T. VCF-style: chr16-69695306-A-T. GRCh37 (hg19) VCF-style: chr16-69729209-A-T.
Other names: c.4582A>T, p.Ile1528Phe (NM_001113178.3); c.3910A>T, p.Ile1304Phe (NM_001367709.1); c.4531A>T, p.Ile1511Phe (NM_006599.4); c.4303A>T, p.Ile1435Phe (NM_138714.4, NM_173214.3, NM_173215.3); short protein forms I1304F, I1511F, I1435F, I1528F, I1529F.
Identifiers: ClinVar variation 1471029 (VCV001471029.6), dbSNP rs2151726578, ClinGen allele CA396516133.
Genomic context (GRCh38, chr16:69,695,306, plus strand): 5'-CTTTCTCAGCAAATGCCAGAGAATTCTCCACTGGCATCCTCTATAAACACCAACCAGAAC[A>T]TCGAAAAGATTGATTTGCTTGTTTCATTGCAAAACCAAGGGAACAACTTGACTGGCTCCT-3'
Protein context (NP_619727.2, residues 1519-1539): LASSINTNQN[Ile1529Phe]EKIDLLVSLQ

ClinVar aggregate classification (germline): Uncertain significance (1 of 4 stars; one submission).

Conditions:
Immunodeficiency. Identifiers: MedGen C0021051, MONDO:0021094, HP:0002721.

Submission:

Labcorp Genetics (formerly Invitae), Labcorp
Classification: Uncertain significance for Immunodeficiency. Last evaluated: 2021-12-15. Review status: criteria provided, single submitter. Criteria: Invitae Variant Classification Sherloc (09022015). Collection method: clinical testing. Allele origin: germline.
Comment: Algorithms developed to predict the effect of missense changes on protein structure and function (SIFT, PolyPhen-2, Align-GVGD) all suggest that this variant is likely to be tolerated. In summary, the available evidence is currently insufficient to determine the role of this variant in disease. Therefore, it has been classified as a Variant of Uncertain Significance. This variant has not been reported in the literature in individuals affected with NFAT5-related conditions. This variant is not present in population databases (gnomAD no frequency). This sequence change replaces isoleucine, which is neutral and non-polar, with phenylalanine, which is neutral and non-polar, at codon 1435 of the NFAT5 protein (p.Ile1435Phe).